The following is an entry in ClinVar:

ClinVar aggregate classification (germline): Pathogenic (1 of 4 stars; one submission).

Conditions:
Bethlem myopathy 1A. Also called: Bethlem myopathy 1; Bethlem Muscular Dystrophy; MYOPATHY, BENIGN CONGENITAL, WITH CONTRACTURES. Identifiers: Orphanet 610, MedGen CN029274, MONDO:0024530, OMIM 158810.

Submission:

Labcorp Genetics (formerly Invitae), Labcorp
Classification: Pathogenic for Bethlem myopathy 1A. Last evaluated: 2024-10-15. Review status: criteria provided, single submitter. Criteria: Invitae Variant Classification Sherloc (09022015). Collection method: clinical testing. Allele origin: germline.
Comment: This sequence change creates a premature translational stop signal (p.Gly552Glufs*44) in the COL6A2 gene. It is expected to result in an absent or disrupted protein product. Loss-of-function variants in COL6A2 are known to be pathogenic (PMID: 19884007, 20976770). This variant is not present in population databases (gnomAD no frequency). This variant has not been reported in the literature in individuals affected with COL6A2-related conditions. For these reasons, this variant has been classified as Pathogenic.

Literature cited by the submitters: PubMed 19884007; PubMed 20976770.

NM_001849.4(COL6A2):c.1650del (p.Gly552fs)

Gene: COL6A2 (collagen type VI alpha 2 chain; plus strand). Cytogenetic location: 21q22.3.
Variant type: Deletion.
Coding change: c.1650del on transcript NM_001849.4 (MANE Select); coding-DNA position 1650, one base deleted (G; older notation c.1650delG).
Protein change: p.Gly552fs; shifts the reading frame from glycine 552.
Molecular consequence: frameshift variant.
Genome position (GRCh38, 1-based): chr21:46,122,916, G deleted; the last of 2 consecutive G bases (chr21:46,122,915-46,122,916); deleting either gives the same sequence. VCF-style (leftmost placement, unchanged base first): chr21-46122914-AG-A. GRCh37 (hg19) VCF-style: chr21-47542828-AG-A.
Other names: c.1650del, p.Gly552fs (NM_058174.3, NM_058175.3); short protein forms G552fs.
Identifiers: ClinVar variation 2753333 (VCV002753333.3), dbSNP rs2517009429, ClinGen allele CA2697547593.